The following is an entry in ClinVar:

ClinVar aggregate classification (germline): Uncertain significance (1 of 4 stars; one submission).

Submission:

Labcorp Genetics (formerly Invitae), Labcorp
Classification: Uncertain significance. Last evaluated: 2024-09-05. Review status: criteria provided, single submitter. Criteria: Invitae Variant Classification Sherloc (09022015). Collection method: clinical testing. Allele origin: germline.
Comment: This sequence change replaces proline, which is neutral and non-polar, with threonine, which is neutral and polar, at codon 769 of the PHIP protein (p.Pro769Thr). This variant is present in population databases (no rsID available, gnomAD 0.003%). This variant has not been reported in the literature in individuals affected with PHIP-related conditions. Invitae Evidence Modeling of protein sequence and biophysical properties (such as structural, functional, and spatial information, amino acid conservation, physicochemical variation, residue mobility, and thermodynamic stability) indicates that this missense variant is not expected to disrupt PHIP protein function with a negative predictive value of 80%. In summary, the available evidence is currently insufficient to determine the role of this variant in disease. Therefore, it has been classified as a Variant of Uncertain Significance.

NM_017934.7(PHIP):c.2305C>A (p.Pro769Thr)

Gene: PHIP (PHIP subunit of CUL4-Ring ligase complex; minus strand). Cytogenetic location: 6q14.1.
Variant type: single nucleotide variant.
Coding change: c.2305C>A on transcript NM_017934.7 (MANE Select); coding-DNA position 2305, C replaced by A.
Protein change: p.Pro769Thr; replaces proline 769 with threonine.
Molecular consequence: missense variant.
Genome position (GRCh38, 1-based): chr6:78,990,882, G>T on the plus strand (C>A on the coding strand, the complement: PHIP is on the minus strand). VCF-style: chr6-78990882-G-T. GRCh37 (hg19) VCF-style: chr6-79700599-G-T.
Other names: short protein forms P769T.
Identifiers: ClinVar variation 2859804 (VCV002859804.3), dbSNP rs765592405, ClinGen allele CA364627967.
Genomic context (GRCh38, chr6:78,990,882, plus strand): 5'-TATACTTAAGAAGCAAATATTAAACATCAAAATAATTAATATGTACCTTTGAGACAGTGG[G>T]TATTTTATTCTCTTTTGGAACAGTTAAGTGTTTTCTTTTCTCTTCTGACCTGTAAGTCTT-3'
Protein context (NP_060404.4, residues 759-779): HLTVPKENKI[Pro769Thr]TVSKNHAHEH